The following is an entry in ClinVar:

ClinVar aggregate classification (germline): Uncertain significance (1 of 4 stars; one submission).

Conditions:
Ocular cystinosis. Also called: Non-Nephropathic Cystinosis; Non-Nephropathic (Ocular) Cystinosis. Identifiers: Orphanet 213, Orphanet 411641, MedGen C2931013, MONDO:0009064, OMIM 219750.
Inborn genetic diseases. Identifiers: MedGen C0950123, MeSH D030342.
Juvenile nephropathic cystinosis. Also called: Intermediate Cystinosis; Later-Onset (Juvenile) Cystinosis; CYSTINOSIS, LATE-ONSET JUVENILE OR ADOLESCENT NEPHROPATHIC TYPE. Identifiers: Orphanet 213, Orphanet 411634, MedGen C0268626, MONDO:0009066, OMIM 219900.

Allele frequency attached by ClinVar (database versions not stated): TOPMed below 0.00001.
gnomAD v4.1: 2 of 1,612,344 alleles (0.00012%); highest among the groups gnomAD compares: Admixed American, 0.0033%; no homozygotes.

Submission:

Labcorp Genetics (formerly Invitae), Labcorp
Classification: Uncertain significance for Inborn genetic diseases; Ocular cystinosis; Juvenile nephropathic cystinosis. Last evaluated: 2022-02-01. Review status: criteria provided, single submitter. Criteria: Invitae Variant Classification Sherloc (09022015). Collection method: clinical testing. Allele origin: germline.
Comment: In summary, the available evidence is currently insufficient to determine the role of this variant in disease. Therefore, it has been classified as a Variant of Uncertain Significance. Advanced modeling of protein sequence and biophysical properties (such as structural, functional, and spatial information, amino acid conservation, physicochemical variation, residue mobility, and thermodynamic stability) performed at Invitae indicates that this missense variant is not expected to disrupt CTNS protein function. This variant has not been reported in the literature in individuals affected with CTNS-related conditions. This variant is present in population databases (rs774486231, gnomAD 0.006%). This sequence change replaces isoleucine, which is neutral and non-polar, with leucine, which is neutral and non-polar, at codon 272 of the CTNS protein (p.Ile272Leu).

NM_004937.3(CTNS):c.814A>C (p.Ile272Leu)

Gene: CTNS (cystinosin, lysosomal cystine transporter; plus strand). Cytogenetic location: 17p13.2.
Variant type: single nucleotide variant.
Coding change: c.814A>C on transcript NM_004937.3 (MANE Select); coding-DNA position 814, A replaced by C.
Protein change: p.Ile272Leu; replaces isoleucine 272 with leucine.
Molecular consequence: missense variant.
Genome position (GRCh38, 1-based): chr17:3,658,137, A>C. VCF-style: chr17-3658137-A-C. GRCh37 (hg19) VCF-style: chr17-3561431-A-C.
Other names: c.373A>C, p.Ile125Leu (NM_001374494.1, NM_001374495.1, NM_001374496.1 and 1 more transcripts); c.814A>C, p.Ile272Leu (NM_001031681.3, NM_001374492.1); short protein forms I125L, I272L.
Identifiers: ClinVar variation 1923694 (VCV001923694.5), dbSNP rs774486231, ClinGen allele CA8291898.